The following is an entry in ClinVar:

ClinVar aggregate classification (germline): Uncertain significance. Review status: criteria provided, multiple submitters, no conflicts (2 of 4 stars). 4 submissions from 4 submitters: Uncertain significance (4). Last evaluated 2026-03-27.

Conditions:
Hajdu-Cheney syndrome (HJCYS). Also called: Acroosteolysis dominant type; SERPENTINE FIBULA-POLYCYSTIC KIDNEY SYNDROME; ACROOSTEOLYSIS WITH OSTEOPOROSIS AND CHANGES IN SKULL AND MANDIBLE. Identifiers: Orphanet 955, MedGen C0917715, MONDO:0007057, OMIM 102500.
Alagille syndrome due to a NOTCH2 point mutation. Also called: Alagille syndrome 2. Identifiers: Orphanet 261629, Orphanet 52, MedGen C1857761, MONDO:0012439, OMIM 610205.

Allele frequency attached by ClinVar (database versions not stated): gnomAD 0.00001 and 0.00003; ExAC 0.00001; gnomAD exomes below 0.00001 and 0.00001.
gnomAD v4.1: 5 of 1,614,060 alleles (0.00031%); highest among the groups gnomAD compares: African/African-American, 0.0013%; no homozygotes.

Submissions (4):

GeneDx
Classification: Uncertain significance. Last evaluated: 2026-03-27. Review status: criteria provided, single submitter. Criteria: GeneDx Variant Classification Process June 2021. Collection method: clinical testing. Allele origin: germline.
Comment: In silico analysis supports that this missense variant has a deleterious effect on protein structure/function; Has not been previously published as pathogenic or benign to our knowledge

Labcorp Genetics (formerly Invitae), Labcorp
Classification: Uncertain significance for Hajdu-Cheney syndrome. Last evaluated: 2024-05-23. Review status: criteria provided, single submitter. Criteria: Invitae Variant Classification Sherloc (09022015). Collection method: clinical testing. Allele origin: germline.
Comment: This sequence change replaces asparagine, which is neutral and polar, with histidine, which is basic and polar, at codon 2035 of the NOTCH2 protein (p.Asn2035His). This variant is present in population databases (rs745697811, gnomAD 0.004%). This variant has not been reported in the literature in individuals affected with NOTCH2-related conditions. ClinVar contains an entry for this variant (Variation ID: 500159). Advanced modeling of protein sequence and biophysical properties (such as structural, functional, and spatial information, amino acid conservation, physicochemical variation, residue mobility, and thermodynamic stability) has been performed at Invitae for this missense variant, however the output from this modeling did not meet the statistical confidence thresholds required to predict the impact of this variant on NOTCH2 protein function. In summary, the available evidence is currently insufficient to determine the role of this variant in disease. Therefore, it has been classified as a Variant of Uncertain Significance.

Fulgent Genetics
Classification: Uncertain significance for Hajdu-Cheney syndrome; Alagille syndrome due to a NOTCH2 point mutation. Last evaluated: 2023-12-24. Review status: criteria provided, single submitter. Criteria: ACMG Guidelines, 2015. Collection method: clinical testing. Allele origin: germline.

Eurofins Ntd Llc (ga)
Classification: Uncertain significance. Last evaluated: 2017-01-27. Review status: criteria provided, single submitter. Criteria: EGL Classification Definitions 2015. Collection method: clinical testing. Allele origin: germline. Observed: 1 variant allele, 1 heterozygote.

NM_024408.4(NOTCH2):c.6103A>C (p.Asn2035His)

Gene: NOTCH2 (notch receptor 2; minus strand). Cytogenetic location: 1p12.
Variant type: single nucleotide variant.
Coding change: c.6103A>C on transcript NM_024408.4 (MANE Select); coding-DNA position 6103, A replaced by C.
Protein change: p.Asn2035His; replaces asparagine 2035 with histidine.
Molecular consequence: missense variant.
Genome position (GRCh38, 1-based): chr1:119,916,619, T>G on the plus strand (A>C on the coding strand, the complement: NOTCH2 is on the minus strand). VCF-style: chr1-119916619-T-G. GRCh37 (hg19) VCF-style: chr1-120459242-T-G.
Other names: c.6103A>C (NM_024408.3); short protein forms N2035H.
Identifiers: ClinVar variation 500159 (VCV000500159.9), dbSNP rs745697811, ClinGen allele CA1039491.